The following is an entry in ClinVar:

ClinVar aggregate classification (germline): Uncertain significance. Review status: criteria provided, multiple submitters, no conflicts (2 of 4 stars). 11 submissions from 7 submitters: Uncertain significance (10). 1 of the submissions does not count toward it. Last evaluated 2026-09-10.

Conditions:
CEP290-related disorder. Also called: CEP290-related disorders; CEP290-related condition. Identifiers: MedGen CN239314.
Nephronophthisis. Also called: Juvenile Nephronophthisis. Identifiers: Orphanet 655, MedGen C0687120, MONDO:0019005, HP:0000090.
Joubert syndrome. Also called: JOUBERT-BOLTSHAUSER SYNDROME; Familial aplasia of the vermis. Identifiers: Orphanet 475, MedGen C5979921, MONDO:0018772.
Meckel-Gruber syndrome. Also called: Dysencephalia splachnocystica; DYSENCEPHALIA SPLANCHNOCYSTICA; GRUBER SYNDROME. Identifiers: Orphanet 564, MedGen C0265215, MONDO:0018921.
Leber congenital amaurosis (LCA). Also called: Leber's amaurosis. Identifiers: Orphanet 65, MedGen C0339527, MeSH D057130, MONDO:0018998.
Meckel syndrome, type 4 (MKS4). Also called: MECKEL-GRUBER SYNDROME, TYPE 4. Identifiers: Orphanet 564, MedGen C1970161, MONDO:0012626, OMIM 611134.
Joubert syndrome 5 (JBTS5). Identifiers: Orphanet 2318, MedGen C1857780, MONDO:0012432, OMIM 610188.
Senior-Loken syndrome 6 (SLSN6). Identifiers: Orphanet 3156, MedGen C1857779, MONDO:0012433, OMIM 610189.
Leber congenital amaurosis 10 (LCA10). Identifiers: Orphanet 65, MedGen C1857821, MONDO:0012723, OMIM 611755.
Bardet-Biedl syndrome 14 (BBS14). Identifiers: Orphanet 110, MedGen C2673874, MONDO:0014442, OMIM 615991.

Allele frequency attached by ClinVar (database versions not stated): 1000 Genomes Project 30x 0.00016; ExAC below 0.00001; gnomAD 0.00011; TOPMed 0.00021; 1000 Genomes Project 0.00020.
gnomAD v4.1: 314 of 1,227,678 alleles (0.026%); highest among the groups gnomAD compares: Non-Finnish European, 0.031%; no homozygotes.

Submissions (11):

PreventionGenetics, part of Exact Sciences
Classification: Uncertain significance for CEP290-related condition. Last evaluated: 2026-09-10. Review status: criteria provided, single submitter. Criteria: ACMG Guidelines, 2015. Collection method: clinical testing. Allele origin: germline.
Comment: The CEP290 c.4088G>A variant is predicted to result in the amino acid substitution p.Arg1363Gln. This variant has been reported as an additional variant of uncertain significance in a retinitis pigmentosa patient who was positive in the USH2A gene (Table S3, Patient 30, Wang et al. 2014. PubMed ID: 25097241). It has also been reported in an individual with severe obesity (Day et al. 2021. PubMed ID: 33616283). This variant is reported in 0.035% of alleles in individuals of African descent in gnomAD. At this time, the clinical significance of this variant is uncertain due to the absence of conclusive functional and genetic evidence.

Genetic Services Laboratory, University of Chicago
Classification: Uncertain significance. Last evaluated: 2025-04-23. Review status: criteria provided, single submitter. Criteria: ACMG Guidelines, 2015. Collection method: clinical testing. Allele origin: germline.
Comment: DNA sequence analysis of the CEP290 gene demonstrated a sequence change, c.4088G>A, in exon 32 that results in an amino acid change, p.Arg1363Gln. This sequence change has been described in the gnomAD database with a frequency of 0.035% in the African/African American subpopulation (dbSNP rs188502327). The p.Arg1363Gln change affects a highly conserved amino acid residue located in a domain of the CEP290 protein that is not known to be functional. In-silico pathogenicity prediction tools (SIFT, PolyPhen2, Align GVGD, REVEL) provide contradictory results for the p.Arg1363Gln substitution. This sequence change does not appear to have been previously described in individuals with CEP290-related disorders. Due to insufficient evidences and the lack of functional studies, the clinical significance of the p.Arg1363Gln change remains unknown at this time

Blueprint Genetics
Classification: Uncertain significance. Last evaluated: 2024-01-26. Review status: criteria provided, single submitter. Criteria: ACMG Guidelines, 2015. Collection method: clinical testing. Allele origin: germline.

GeneDx
Classification: Uncertain significance. Last evaluated: 2024-01-19. Review status: criteria provided, single submitter. Criteria: GeneDx Variant Classification Process June 2021. Collection method: clinical testing. Allele origin: germline. Affected: yes.
Comment: In silico analysis supports that this missense variant has a deleterious effect on protein structure/function; This variant is associated with the following publications: (PMID: 33616283, 37810530)

Labcorp Genetics (formerly Invitae), Labcorp
Classification: Uncertain significance for Joubert syndrome; Meckel-Gruber syndrome; Nephronophthisis. Last evaluated: 2022-10-05. Review status: criteria provided, single submitter. Criteria: Invitae Variant Classification Sherloc (09022015). Collection method: clinical testing. Allele origin: germline.
Comment: This sequence change replaces arginine, which is basic and polar, with glutamine, which is neutral and polar, at codon 1363 of the CEP290 protein (p.Arg1363Gln). This variant is present in population databases (rs188502327, gnomAD 0.03%). This variant has not been reported in the literature in individuals affected with CEP290-related conditions. ClinVar contains an entry for this variant (Variation ID: 861323). Advanced modeling of protein sequence and biophysical properties (such as structural, functional, and spatial information, amino acid conservation, physicochemical variation, residue mobility, and thermodynamic stability) performed at Invitae indicates that this missense variant is expected to disrupt CEP290 protein function. Algorithms developed to predict the effect of sequence changes on RNA splicing suggest that this variant may create or strengthen a splice site. In summary, the available evidence is currently insufficient to determine the role of this variant in disease. Therefore, it has been classified as a Variant of Uncertain Significance.

Illumina Laboratory Services, Illumina
Classification: Uncertain significance for Meckel syndrome, type 4. Last evaluated: 2017-04-28. Review status: criteria provided, single submitter. Criteria: ICSL Variant Classification Criteria 13 December 2019. Collection method: clinical testing. Allele origin: germline.

Illumina Laboratory Services, Illumina
Classification: Uncertain significance for Joubert syndrome 5. Last evaluated: 2017-04-28. Review status: criteria provided, single submitter. Criteria: ICSL Variant Classification Criteria 13 December 2019. Collection method: clinical testing. Allele origin: germline.

Illumina Laboratory Services, Illumina
Classification: Uncertain significance for Senior-Loken syndrome 6. Last evaluated: 2017-04-28. Review status: criteria provided, single submitter. Criteria: ICSL Variant Classification Criteria 13 December 2019. Collection method: clinical testing. Allele origin: germline.

Illumina Laboratory Services, Illumina
Classification: Uncertain significance for Leber congenital amaurosis 10. Last evaluated: 2017-04-28. Review status: criteria provided, single submitter. Criteria: ICSL Variant Classification Criteria 13 December 2019. Collection method: clinical testing. Allele origin: germline.

Illumina Laboratory Services, Illumina
Classification: Uncertain significance for Bardet-Biedl syndrome 14. Last evaluated: 2017-04-28. Review status: criteria provided, single submitter. Criteria: ICSL Variant Classification Criteria 13 December 2019. Collection method: clinical testing. Allele origin: germline.

Natera, Inc.
Classification: Uncertain significance for Leber congenital amaurosis. Last evaluated: 2020-01-17. Review status: no assertion criteria provided. Collection method: clinical testing. Allele origin: germline. Not counted in ClinVar's aggregate classification.

NM_025114.4(CEP290):c.4088G>A (p.Arg1363Gln)

Gene: CEP290 (centrosomal protein 290; minus strand). Cytogenetic location: 12q21.32.
Variant type: single nucleotide variant.
Coding change: c.4088G>A on transcript NM_025114.4 (MANE Select); coding-DNA position 4088, G replaced by A.
Protein change: p.Arg1363Gln; replaces arginine 1363 with glutamine.
Molecular consequence: missense variant.
Genome position (GRCh38, 1-based): chr12:88,087,886, C>T on the plus strand (G>A on the coding strand, the complement: CEP290 is on the minus strand). VCF-style: chr12-88087886-C-T. GRCh37 (hg19) VCF-style: chr12-88481663-C-T.
Other names: short protein forms R1363Q.
Identifiers: ClinVar variation 861323 (VCV000861323.16), dbSNP rs188502327, ClinGen allele CA6712027.
Genomic context (GRCh38, chr12:88,087,886, plus strand): 5'-TCATATTCAGAAATTATGTTATTCAAATATTTTATTTCTTCTTTATCCTTGACTAATTCC[C>T]GATTTAGTTTAAGTTCTTGAAGACGAAGTTCTTCTATTTTCATATGCCAGTTGATTACCT-3'
Protein context (NP_079390.3, residues 1353-1373): ELRLQELKLN[Arg1363Gln]ELVKDKEEIK